The following is an entry in ClinVar:

NM_014244.5(ADAMTS2):c.1445C>G (p.Pro482Arg)

Gene: ADAMTS2 (ADAM metallopeptidase with thrombospondin type 1 motif 2; minus strand). Cytogenetic location: 5q35.3.
Variant type: single nucleotide variant.
Coding change: c.1445C>G on transcript NM_014244.5 (MANE Select); coding-DNA position 1445, C replaced by G.
Protein change: p.Pro482Arg; replaces proline 482 with arginine.
Molecular consequence: missense variant.
Genome position (GRCh38, 1-based): chr5:179,153,561, G>C on the plus strand (C>G on the coding strand, the complement: ADAMTS2 is on the minus strand). VCF-style: chr5-179153561-G-C. GRCh37 (hg19) VCF-style: chr5-178580562-G-C.
Other names: c.1445C>G, p.Pro482Arg (NM_021599.4); short protein forms P482R.
Identifiers: ClinVar variation 3344656 (VCV003344656.1).

ClinVar aggregate classification (germline): Uncertain significance (0 of 4 stars; one submission).

Conditions:
ADAMTS2-related disorder. Also called: ADAMTS2-related condition.

Submission:

PreventionGenetics, part of Exact Sciences
Classification: Uncertain significance for ADAMTS2-related condition. Last evaluated: 2024-06-20. Review status: no assertion criteria provided. Collection method: clinical testing. Allele origin: germline.
Comment: The ADAMTS2 c.1445C>G variant is predicted to result in the amino acid substitution p.Pro482Arg. To our knowledge, this variant has not been reported in the literature or in a large population database, indicating this variant is rare. At this time, the clinical significance of this variant is uncertain due to the absence of conclusive functional and genetic evidence.